The following is an entry in ClinVar:

ClinVar aggregate classification (germline): Uncertain significance (1 of 4 stars; one submission).

Conditions:
Inborn genetic diseases. Identifiers: MedGen C0950123, MeSH D030342.

Submission:

Ambry Genetics
Classification: Uncertain significance for Inborn genetic diseases. Last evaluated: 2025-09-18. Review status: criteria provided, single submitter. Criteria: Ambry Variant Classification Scheme 2023. Collection method: clinical testing. Allele origin: germline.
Comment: The p.L1001F variant (also known as c.3001C>T), located in coding exon 14 of the FANCM gene, results from a C to T substitution at nucleotide position 3001. The leucine at codon 1001 is replaced by phenylalanine, an amino acid with highly similar properties. This amino acid position is conserved. In addition, this alteration is predicted to be tolerated by in silico analysis. Based on the available evidence, the clinical significance of this variant remains unclear.

NM_020937.4(FANCM):c.3001C>T (p.Leu1001Phe)

Gene: FANCM (FA complementation group M; plus strand). Cytogenetic location: 14q21.2.
Variant type: single nucleotide variant.
Coding change: c.3001C>T on transcript NM_020937.4 (MANE Select); coding-DNA position 3001, C replaced by T.
Protein change: p.Leu1001Phe; replaces leucine 1001 with phenylalanine.
Molecular consequence: missense variant.
Genome position (GRCh38, 1-based): chr14:45,175,755, C>T. VCF-style: chr14-45175755-C-T. GRCh37 (hg19) VCF-style: chr14-45644958-C-T.
Other names: c.2923C>T, p.Leu975Phe (NM_001308133.2); short protein forms L1001F, L975F.
Identifiers: ClinVar variation 4619431 (VCV004619431.1).